The following is an entry in ClinVar:

ClinVar aggregate classification (germline): Uncertain significance (1 of 4 stars; one submission).

Conditions:
Immunodeficiency due to CD25 deficiency. Also called: IL2RA DEFICIENCY; IMMUNODEFICIENCY 41 WITH LYMPHOPROLIFERATION AND AUTOIMMUNITY; CD25 DEFICIENCY. Identifiers: Orphanet 169100, MedGen C1853392, MONDO:0011664, OMIM 606367.

Allele frequency attached by ClinVar (database versions not stated): gnomAD 0.00001 and 0.00002; TOPMed 0.00003; ExAC 0.00004; gnomAD exomes 0.00004 and 0.00005.

Submission:

Labcorp Genetics (formerly Invitae), Labcorp
Classification: Uncertain significance for Immunodeficiency due to CD25 deficiency. Last evaluated: 2024-11-19. Review status: criteria provided, single submitter. Criteria: Invitae Variant Classification Sherloc (09022015). Collection method: clinical testing. Allele origin: germline.
Comment: This sequence change replaces methionine, which is neutral and non-polar, with valine, which is neutral and non-polar, at codon 113 of the IL2RA protein (p.Met113Val). This variant is present in population databases (rs781478336, gnomAD 0.03%). This variant has not been reported in the literature in individuals affected with IL2RA-related conditions. ClinVar contains an entry for this variant (Variation ID: 574948). Invitae Evidence Modeling of protein sequence and biophysical properties (such as structural, functional, and spatial information, amino acid conservation, physicochemical variation, residue mobility, and thermodynamic stability) indicates that this missense variant is not expected to disrupt IL2RA protein function with a negative predictive value of 80%. In summary, the available evidence is currently insufficient to determine the role of this variant in disease. Therefore, it has been classified as a Variant of Uncertain Significance.

NM_000417.3(IL2RA):c.337A>G (p.Met113Val)

Gene: IL2RA (interleukin 2 receptor subunit alpha; minus strand). Cytogenetic location: 10p15.1.
Variant type: single nucleotide variant.
Coding change: c.337A>G on transcript NM_000417.3 (MANE Select); coding-DNA position 337, A replaced by G.
Protein change: p.Met113Val; replaces methionine 113 with valine.
Molecular consequence: missense variant.
Genome position (GRCh38, 1-based): chr10:6,024,274, T>C on the plus strand (A>G on the coding strand, the complement: IL2RA is on the minus strand). VCF-style: chr10-6024274-T-C. GRCh37 (hg19) VCF-style: chr10-6066237-T-C.
Other names: c.337A>G, p.Met113Val (NM_001308242.2, NM_001308243.2); short protein forms M113V.
Identifiers: ClinVar variation 574948 (VCV000574948.4), dbSNP rs781478336, ClinGen allele CA5397491.
Genomic context (GRCh38, chr10:6,024,274, plus strand): 5'-AGTTAGCTGGAGGACAGATTCATCTCTCACCTGGAAGGCTCGCTTGGTCCACTGGCTGCA[T>C]TGGACTTTGCATTTCTGTGGTTTTCCTTTCTTTCTGTTCTTCAGGTTGAGGTGTCACTTG-3'
Protein context (NP_000408.1, residues 103-123): ERKTTEMQSP[Met113Val]QPVDQASLPG